The following is an entry in ClinVar:

NM_000256.3(MYBPC3):c.1588A>G (p.Ser530Gly)

Gene: MYBPC3 (myosin binding protein C3; minus strand). Cytogenetic location: 11p11.2.
Variant type: single nucleotide variant.
Coding change: c.1588A>G on transcript NM_000256.3 (MANE Select); coding-DNA position 1588, A replaced by G.
Protein change: p.Ser530Gly; replaces serine 530 with glycine.
Molecular consequence: missense variant.
Genome position (GRCh38, 1-based): chr11:47,342,614, T>C on the plus strand (A>G on the coding strand, the complement: MYBPC3 is on the minus strand). VCF-style: chr11-47342614-T-C. GRCh37 (hg19) VCF-style: chr11-47364165-T-C.
Other names: short protein forms S530G.
Identifiers: ClinVar variation 2830133 (VCV002830133.3), dbSNP rs2495762566, ClinGen allele CA380325046.

ClinVar aggregate classification (germline): Uncertain significance (1 of 4 stars; one submission).

Conditions:
Hypertrophic cardiomyopathy. Also called: HYPERTROPHIC MYOCARDIOPATHY. Identifiers: Orphanet 217569, MedGen C0007194, MeSH D002312, MONDO:0005045, HP:0001639.

Submission:

Labcorp Genetics (formerly Invitae), Labcorp
Classification: Uncertain significance for Hypertrophic cardiomyopathy. Last evaluated: 2023-01-19. Review status: criteria provided, single submitter. Criteria: Invitae Variant Classification Sherloc (09022015). Collection method: clinical testing. Allele origin: germline.
Comment: In summary, the available evidence is currently insufficient to determine the role of this variant in disease. Therefore, it has been classified as a Variant of Uncertain Significance. Algorithms developed to predict the effect of missense changes on protein structure and function (SIFT, PolyPhen-2, Align-GVGD) all suggest that this variant is likely to be tolerated. This variant has not been reported in the literature in individuals affected with MYBPC3-related conditions. This variant is not present in population databases (gnomAD no frequency). This sequence change replaces serine, which is neutral and polar, with glycine, which is neutral and non-polar, at codon 530 of the MYBPC3 protein (p.Ser530Gly).